The following is an entry in ClinVar:

ClinVar aggregate classification (germline): Uncertain significance. Review status: criteria provided, multiple submitters, no conflicts (2 of 4 stars). 2 submissions from 2 submitters: Uncertain significance (2). Last evaluated 2025-12-25.

Allele frequency attached by ClinVar (database versions not stated): ExAC 0.00018; ESP Exome Variant Server 0.00044.
gnomAD v4.1: 166 of 1,551,914 alleles (0.011%); highest among the groups gnomAD compares: South Asian, 0.079%; no homozygotes.

Submissions (2):

Labcorp Genetics (formerly Invitae), Labcorp
Classification: Uncertain significance. Last evaluated: 2025-12-25. Review status: criteria provided, single submitter. Criteria: Invitae Variant Classification Sherloc (09022015). Collection method: clinical testing. Allele origin: germline.
Comment: This sequence change replaces valine, which is neutral and non-polar, with methionine, which is neutral and non-polar, at codon 1621 of the WDR87 protein (p.Val1621Met). This variant is present in population databases (rs375105907, gnomAD 0.08%), and has an allele count higher than expected for a pathogenic variant. This variant has not been reported in the literature in individuals affected with WDR87-related conditions. ClinVar contains an entry for this variant (Variation ID: 2370064). An algorithm developed to predict the effect of missense changes on protein structure and function outputs the following: PolyPhen-2: "Benign". The methionine amino acid residue is found in multiple mammalian species, which suggests that this missense change does not adversely affect protein function. In summary, the available evidence is currently insufficient to determine the role of this variant in disease. Therefore, it has been classified as a Variant of Uncertain Significance.

Ambry Genetics
Classification: Uncertain significance. Last evaluated: 2024-12-03. Review status: criteria provided, single submitter. Criteria: Ambry Variant Classification Scheme 2023. Collection method: clinical testing. Allele origin: germline.

NM_001291088.2(WDR87):c.4978G>A (p.Val1660Met)

Gene: WDR87 (WD repeat domain 87; minus strand). Cytogenetic location: 19q13.13.
Variant type: single nucleotide variant.
Coding change: c.4978G>A on transcript NM_001291088.2 (MANE Select); coding-DNA position 4978, G replaced by A.
Protein change: p.Val1660Met; replaces valine 1660 with methionine.
Molecular consequence: missense variant.
Genome position (GRCh38, 1-based): chr19:37,888,693, C>T on the plus strand (G>A on the coding strand, the complement: WDR87 is on the minus strand). VCF-style: chr19-37888693-C-T. GRCh37 (hg19) VCF-style: chr19-38379333-C-T.
Other names: c.4861G>A, p.Val1621Met (NM_031951.5); short protein forms V1621M, V1660M.
Identifiers: ClinVar variation 2370064 (VCV002370064.4), dbSNP rs375105907, ClinGen allele CA9408610.